The following is an entry in ClinVar:

NM_001277115.2(DNAH11):c.13284C>A (p.Leu4428=)

Gene: DNAH11 (dynein axonemal heavy chain 11; plus strand). Cytogenetic location: 7p15.3.
Variant type: single nucleotide variant.
Coding change: c.13284C>A on transcript NM_001277115.2 (MANE Select); coding-DNA position 13284, C replaced by A.
Protein change: p.Leu4428=; no amino-acid change (leucine 4428 retained).
Molecular consequence: synonymous variant.
Genome position (GRCh38, 1-based): chr7:21,900,101, C>A. VCF-style: chr7-21900101-C-A. GRCh37 (hg19) VCF-style: chr7-21939719-C-A.
Other names: c.13305C>A, p.Leu4435= (NM_003777.3).
Identifiers: ClinVar variation 3045552 (VCV003045552.2), dbSNP rs2534154970, ClinGen allele CA453967732.

ClinVar aggregate classification (germline): Likely benign (0 of 4 stars; one submission).

Conditions:
DNAH11-related disorder. Also called: DNAH11-related condition.

Submission:

PreventionGenetics, part of Exact Sciences
Classification: Likely benign for DNAH11-related condition. Last evaluated: 2023-09-08. Review status: no assertion criteria provided. Collection method: clinical testing. Allele origin: germline.
Comment: This variant is classified as likely benign based on ACMG/AMP sequence variant interpretation guidelines (Richards et al. 2015 PMID: 25741868, with internal and published modifications).